The following is an entry in ClinVar:

NM_022489.4(INF2):c.1262CACCCC[2] (p.Pro425_Pro428del)

Gene: INF2 (inverted formin 2; plus strand). Cytogenetic location: 14q32.33.
Variant type: Microsatellite.
Coding change: c.1262CACCCC[2] on transcript NM_022489.4 (MANE Select); two copies in a row of the 6-base unit CACCCC starting at c.1262; the reference has four copies in a row; two copies, 12 bases deleted; also written c.1274_1285del.
Protein change: p.Pro425_Pro428del.
Molecular consequence: inframe deletion.
Genome position (GRCh38, 1-based): chr14:104,707,541-104,707,552, CACCCCCACCCC deleted; deleting any 12 consecutive bases within chr14:104,707,526-104,707,552 gives the same sequence; the position shown is the placement nearest the transcript's 3' end. VCF-style (leftmost placement, unchanged base first): chr14-104707525-ACCCCACCCCCAC-A. GRCh37 (hg19) VCF-style: chr14-105173862-ACCCCACCCCCAC-A.
Other names: p.Pro425_Pro428del; c.1259_1270delCCCCACCCCCAC (NM_022489.3); c.1262CACCCC[2], p.Pro425_Pro428del (NM_001031714.4); c.1274_1285delCACCCCCACCCC (NM_022489.3); c.1259_1270del (NM_022489.3); c.1274_1285del (NM_022489.4).
Identifiers: ClinVar variation 290083 (VCV000290083.15), dbSNP rs573567814, ClinGen allele CA7372533.
Genomic context (GRCh38, chr14:104,707,525, plus strand): 5'-GCCCAGAGTGAGAGCATCCTGAAAGTTTCGCAGCCCAGAGCCCTGGAGCAGCAGGCGTCC[ACCCCACCCCCAC>A]CCCCACCCCCACCCCTGCTCCCTGGTTCCAGTGCCGAGCCCCCTCCCCCTCCCCCACCAC-3'

ClinVar aggregate classification (germline): Benign/Likely benign. Review status: criteria provided, multiple submitters, no conflicts (2 of 4 stars). 6 submissions from 5 submitters: Benign (4); Likely benign (1). 1 of the submissions does not count toward it. Last evaluated 2024-11-27.

Conditions:
Focal segmental glomerulosclerosis 5 (FSGS5). Identifiers: Orphanet 656, MedGen C2750475, MONDO:0013191, OMIM 613237.
Charcot-Marie-Tooth disease dominant intermediate E. Also called: CHARCOT-MARIE-TOOTH NEUROPATHY WITH FOCAL SEGMENTAL GLOMERULONEPHRITIS. Identifiers: Orphanet 93114, MedGen C4302667, MONDO:0013758, OMIM 614455.

Submissions (6):

Blueprint Genetics
Classification: Likely benign. Last evaluated: 2024-11-27. Review status: criteria provided, single submitter. Criteria: ACMG Guidelines, 2015. Collection method: clinical testing. Allele origin: germline.

Mayo Clinic Laboratories, Mayo Clinic
Classification: Benign. Last evaluated: 2022-11-15. Review status: criteria provided, single submitter. Criteria: ACMG Guidelines, 2015. Collection method: clinical testing. Allele origin: germline. Observed: 610 variant alleles.
Comment: BA1, BP3, BP4

Labcorp Genetics (formerly Invitae), Labcorp
Classification: Benign for Charcot-Marie-Tooth disease dominant intermediate E; Focal segmental glomerulosclerosis 5. Last evaluated: 2018-08-31. Review status: criteria provided, single submitter. Criteria: Invitae Variant Classification Sherloc (09022015). Collection method: clinical testing. Allele origin: germline.

GeneDx
Classification: Benign. Last evaluated: 2018-06-12. Review status: criteria provided, single submitter. Criteria: GeneDx Variant Classification Process June 2021. Collection method: clinical testing. Allele origin: germline. Affected: yes.

Eurofins Ntd Llc (ga)
Classification: Benign. Last evaluated: 2017-12-01. Review status: criteria provided, single submitter. Criteria: EGL Classification Definitions 2015. Collection method: clinical testing. Allele origin: germline. Observed: 7 variant alleles, 6 heterozygotes, 1 homozygote.

GeneDx
Classification: Benign. Last evaluated: 2015-12-21. Review status: flagged submission. Criteria: GeneDx Variant Classification Process June 2021. Collection method: clinical testing. Allele origin: germline. Affected: yes. Not counted in ClinVar's aggregate classification.
ClinVar note: Reason: This record appears to be redundant with a more recent record from the same submitter.
ClinVar note: Notes: SCV001893030 appears to be redundant with SCV000729942.